The following is an entry in ClinVar:

NM_021076.4(NEFH):c.2569A>G (p.Lys857Glu)

Gene: NEFH (neurofilament heavy chain; plus strand). Cytogenetic location: 22q12.2.
Variant type: single nucleotide variant.
Coding change: c.2569A>G on transcript NM_021076.4 (MANE Select); coding-DNA position 2569, A replaced by G.
Protein change: p.Lys857Glu; replaces lysine 857 with glutamic acid.
Molecular consequence: missense variant.
Genome position (GRCh38, 1-based): chr22:29,490,209, A>G. VCF-style: chr22-29490209-A-G. GRCh37 (hg19) VCF-style: chr22-29886198-A-G.
Other names: c.2569A>G (NM_021076.3); short protein forms K857E.
Identifiers: ClinVar variation 1984858 (VCV001984858.6), dbSNP rs1376855826, ClinGen allele CA411138116.

ClinVar aggregate classification (germline): Uncertain significance. Review status: criteria provided, multiple submitters, no conflicts (2 of 4 stars). 3 submissions from 3 submitters: Uncertain significance (3). Last evaluated 2025-07-15.

Conditions:
NEFH-related disorder. Also called: NEFH-related condition.
Inborn genetic diseases. Identifiers: MedGen C0950123, MeSH D030342.

Allele frequency attached by ClinVar (database versions not stated): gnomAD 0.00001; gnomAD exomes 0.00001; TOPMed 0.00001.

Submissions (3):

PreventionGenetics, part of Exact Sciences
Classification: Uncertain significance for NEFH-related condition. Last evaluated: 2025-07-15. Review status: criteria provided, single submitter. Criteria: ACMG Guidelines, 2015. Collection method: clinical testing. Allele origin: germline.
Comment: The NEFH c.2569A>G variant is predicted to result in the amino acid substitution p.Lys857Glu. To our knowledge, this variant has not been reported in the literature. A different missense substitution affecting the same amino acid was reported heterozygous in an individual with amyotrophic lateral sclerosis (Zhang et al. 2018. PubMed ID: 29411640). The c.2569A>G (p.Lys857Glu) variant is reported in 0.00093% of alleles in individuals of European (Non-Finnish) descent in gnomAD. At this time, the clinical significance of this variant is uncertain due to the absence of conclusive functional and genetic evidence.

Ambry Genetics
Classification: Uncertain significance for Inborn genetic diseases. Last evaluated: 2025-04-21. Review status: criteria provided, single submitter. Criteria: Ambry Variant Classification Scheme 2023. Collection method: clinical testing. Allele origin: germline.

Labcorp Genetics (formerly Invitae), Labcorp
Classification: Uncertain significance. Last evaluated: 2023-07-14. Review status: criteria provided, single submitter. Criteria: Invitae Variant Classification Sherloc (09022015). Collection method: clinical testing. Allele origin: germline.
Comment: This sequence change replaces lysine, which is basic and polar, with glutamic acid, which is acidic and polar, at codon 857 of the NEFH protein (p.Lys857Glu). In summary, the available evidence is currently insufficient to determine the role of this variant in disease. Therefore, it has been classified as a Variant of Uncertain Significance. Advanced modeling of protein sequence and biophysical properties (such as structural, functional, and spatial information, amino acid conservation, physicochemical variation, residue mobility, and thermodynamic stability) performed at Invitae indicates that this missense variant is not expected to disrupt NEFH protein function. ClinVar contains an entry for this variant (Variation ID: 1984858). This variant has not been reported in the literature in individuals affected with NEFH-related conditions. The frequency data for this variant in the population databases is considered unreliable, as metrics indicate poor data quality at this position in the gnomAD database.